The following is an entry in ClinVar:

ClinVar aggregate classification (germline): Likely benign. Review status: criteria provided, multiple submitters, no conflicts (2 of 4 stars). 3 submissions from 3 submitters: Likely benign (3). Last evaluated 2025-05-19.

Conditions:
Cardiovascular phenotype. Identifiers: MedGen CN230736.
Hypertrophic cardiomyopathy 10. Also called: CARDIOMYOPATHY, HYPERTROPHIC, MID-LEFT VENTRICULAR CHAMBER TYPE, 2; MYL2-Related Familial Hypertrophic Cardiomyopathy. Identifiers: MedGen C1834460, MONDO:0012112, OMIM 608758.
Hypertrophic cardiomyopathy. Also called: HYPERTROPHIC MYOCARDIOPATHY. Identifiers: Orphanet 217569, MedGen C0007194, MeSH D002312, MONDO:0005045, HP:0001639.

Allele frequency attached by ClinVar (database versions not stated): gnomAD exomes below 0.00001; gnomAD 0.00001.
gnomAD v4.1: 1 of 1,614,036 alleles (0.000062%); highest among the groups gnomAD compares: Non-Finnish European, 0.000085%; no homozygotes.

Submissions (3):

Labcorp Genetics (formerly Invitae), Labcorp
Classification: Likely benign for Hypertrophic cardiomyopathy 10. Last evaluated: 2025-05-19. Review status: criteria provided, single submitter. Criteria: Invitae Variant Classification Sherloc (09022015). Collection method: clinical testing. Allele origin: germline.

All of Us Research Program, National Institutes of Health
Classification: Likely benign for Hypertrophic cardiomyopathy. Last evaluated: 2024-02-05. Review status: criteria provided, single submitter. Criteria: ACMG Guidelines, 2015. Collection method: clinical testing. Allele origin: germline. Inheritance: Autosomal dominant inheritance. Observed: 1 variant allele, 1 heterozygote.
Comment: This study involves interpretation of variants in research participants for the purpose of population health screening. Participant phenotype was not available at the time of variant classification. Additional details can be found in publication PMID: 35346344, PMCID: PMC8962531

Ambry Genetics
Classification: Likely benign for Cardiovascular phenotype. Last evaluated: 2023-05-11. Review status: criteria provided, single submitter. Criteria: Ambry Variant Classification Scheme 2023. Collection method: clinical testing. Allele origin: germline.

NM_000432.4(MYL2):c.138G>A (p.Lys46=)

Gene: MYL2 (myosin light chain 2; minus strand). Cytogenetic location: 12q24.11.
Variant type: single nucleotide variant.
Coding change: c.138G>A on transcript NM_000432.4 (MANE Select); coding-DNA position 138, G replaced by A.
Protein change: p.Lys46=; no amino-acid change (lysine 46 retained).
Molecular consequence: synonymous variant.
Genome position (GRCh38, 1-based): chr12:110,915,746, C>T on the plus strand (G>A on the coding strand, the complement: MYL2 is on the minus strand). VCF-style: chr12-110915746-C-T. GRCh37 (hg19) VCF-style: chr12-111353550-C-T.
Other names: c.138G>A (NM_000432.3).
Identifiers: ClinVar variation 1625590 (VCV001625590.11), dbSNP rs1267967428, ClinGen allele CA481751119.
Genomic context (GRCh38, chr12:110,915,746, plus strand): 5'-CTCATGCAGGGCTAGAGAGGGTGACATACCAAGGGCAGCAAAGGTGTCTCTCAGATCGTT[C>T]TTGTCAATGAAGCCATCCCTGTTCTGGTCCATGATAGTGAAGGCCTGTGGAAGGGAAGTG-3'
Protein context (NP_000423.2, residues 36-56): MDQNRDGFID[Lys46=]NDLRDTFAAL